The following is an entry in ClinVar:

ClinVar aggregate classification (germline): Uncertain significance. Review status: criteria provided, multiple submitters, no conflicts (2 of 4 stars). 2 submissions from 2 submitters: Uncertain significance (2). Last evaluated 2023-09-05.

Conditions:
Hereditary cancer-predisposing syndrome. Also called: Hereditary neoplastic syndrome; Tumor predisposition; Hereditary Cancer Syndrome; Neoplastic Syndromes, Hereditary. Identifiers: Orphanet 140162, MedGen C0027672, MeSH D009386, MONDO:0015356.
Oligodontia-cancer predisposition syndrome. Also called: TOOTH AGENESIS-COLORECTAL CANCER SYNDROME. Identifiers: Orphanet 300576, MedGen C1837750, MONDO:0012075, OMIM 608615. Disease mechanism: loss of function.

Submissions (2):

Ambry Genetics
Classification: Uncertain significance for Hereditary cancer-predisposing syndrome. Last evaluated: 2023-09-05. Review status: criteria provided, single submitter. Criteria: Ambry Variant Classification Scheme 2023. Collection method: clinical testing. Allele origin: germline.
Comment: The p.E140K variant (also known as c.418G>A), located in coding exon 1 of the AXIN2 gene, results from a G to A substitution at nucleotide position 418. The glutamic acid at codon 140 is replaced by lysine, an amino acid with similar properties. This amino acid position is conserved. In addition, this alteration is predicted to be tolerated by in silico analysis. Since supporting evidence is limited at this time, the clinical significance of this alteration remains unclear.

Labcorp Genetics (formerly Invitae), Labcorp
Classification: Uncertain significance for Oligodontia-cancer predisposition syndrome. Last evaluated: 2023-03-18. Review status: criteria provided, single submitter. Criteria: Invitae Variant Classification Sherloc (09022015). Collection method: clinical testing. Allele origin: germline.
Comment: In summary, the available evidence is currently insufficient to determine the role of this variant in disease. Therefore, it has been classified as a Variant of Uncertain Significance. Advanced modeling of protein sequence and biophysical properties (such as structural, functional, and spatial information, amino acid conservation, physicochemical variation, residue mobility, and thermodynamic stability) performed at Invitae indicates that this missense variant is not expected to disrupt AXIN2 protein function. This variant has not been reported in the literature in individuals affected with AXIN2-related conditions. This variant is not present in population databases (gnomAD no frequency). This sequence change replaces glutamic acid, which is acidic and polar, with lysine, which is basic and polar, at codon 140 of the AXIN2 protein (p.Glu140Lys).

NM_004655.4(AXIN2):c.418G>A (p.Glu140Lys)

Gene: AXIN2 (axin 2; minus strand). Cytogenetic location: 17q24.1.
Variant type: single nucleotide variant.
Coding change: c.418G>A on transcript NM_004655.4 (MANE Select); coding-DNA position 418, G replaced by A.
Protein change: p.Glu140Lys; replaces glutamic acid 140 with lysine.
Molecular consequence: missense variant.
Genome position (GRCh38, 1-based): chr17:65,558,203, C>T on the plus strand (G>A on the coding strand, the complement: AXIN2 is on the minus strand). VCF-style: chr17-65558203-C-T. GRCh37 (hg19) VCF-style: chr17-63554321-C-T.
Other names: c.418G>A, p.Glu140Lys (NM_001363813.1); short protein forms E140K.
Identifiers: ClinVar variation 2586374 (VCV002586374.5), dbSNP rs2144586393, ClinGen allele CA400681436.